The following is an entry in ClinVar:

ClinVar aggregate classification (germline): Uncertain significance. Review status: criteria provided, multiple submitters, no conflicts (2 of 4 stars). 2 submissions from 2 submitters: Uncertain significance (2). Last evaluated 2025-04-28.

Conditions:
Cone-rod dystrophy 13 (CORD13). Identifiers: Orphanet 1872, MedGen C2750720, MONDO:0011987, OMIM 608194.
Leber congenital amaurosis 6 (LCA6). Identifiers: Orphanet 65, MedGen C1854260, MONDO:0013446, OMIM 613826.
Inborn genetic diseases. Identifiers: MedGen C0950123, MeSH D030342.

gnomAD v4.1: 3 of 1,601,472 alleles (0.00019%); highest among the groups gnomAD compares: Non-Finnish European, 0.00026%; no homozygotes.

Submissions (2):

Labcorp Genetics (formerly Invitae), Labcorp
Classification: Uncertain significance for Leber congenital amaurosis 6; Cone-rod dystrophy 13. Last evaluated: 2025-04-28. Review status: criteria provided, single submitter. Criteria: Invitae Variant Classification Sherloc (09022015). Collection method: clinical testing. Allele origin: germline.
Comment: This sequence change replaces histidine, which is basic and polar, with arginine, which is basic and polar, at codon 129 of the RPGRIP1 protein (p.His129Arg). This variant is present in population databases (no rsID available, gnomAD 0.002%). This variant has not been reported in the literature in individuals affected with RPGRIP1-related conditions. ClinVar contains an entry for this variant (Variation ID: 1904962). Invitae Evidence Modeling of protein sequence and biophysical properties (such as structural, functional, and spatial information, amino acid conservation, physicochemical variation, residue mobility, and thermodynamic stability) indicates that this missense variant is not expected to disrupt RPGRIP1 protein function with a negative predictive value of 80%. In summary, the available evidence is currently insufficient to determine the role of this variant in disease. Therefore, it has been classified as a Variant of Uncertain Significance.

Ambry Genetics
Classification: Uncertain significance for Inborn genetic diseases. Last evaluated: 2025-02-19. Review status: criteria provided, single submitter. Criteria: Ambry Variant Classification Scheme 2023. Collection method: clinical testing. Allele origin: germline.

NM_020366.4(RPGRIP1):c.386A>G (p.His129Arg)

Gene: RPGRIP1 (RPGR interacting protein 1; plus strand). Cytogenetic location: 14q11.2.
Variant type: single nucleotide variant.
Coding change: c.386A>G on transcript NM_020366.4 (MANE Select); coding-DNA position 386, A replaced by G.
Protein change: p.His129Arg; replaces histidine 129 with arginine.
Molecular consequence: missense variant.
Genome position (GRCh38, 1-based): chr14:21,301,133, A>G. VCF-style: chr14-21301133-A-G. GRCh37 (hg19) VCF-style: chr14-21769292-A-G.
Other names: c.386A>G (NM_020366.3); short protein forms H129R.
Identifiers: ClinVar variation 1904962 (VCV001904962.6), dbSNP rs547876047, ClinGen allele CA388859094.
Genomic context (GRCh38, chr14:21,301,133, plus strand): 5'-GGCGGCAGCGCCTCTCCATGCACCAGCGCCCCCAGATGCACCGACTGCAAGGGCATTTCC[A>G]CTGCGTCGGCCCTGCCAGCCCCCGCCGCGCCCAGCCTCGCGTCCAAGTGGGACACAGACA-3'
Protein context (NP_065099.3, residues 119-139): PQMHRLQGHF[His129Arg]CVGPASPRRA